The following is an entry in ClinVar:

ClinVar aggregate classification (germline): Pathogenic (1 of 4 stars; one submission).

Submission:

GeneDx
Classification: Pathogenic. Last evaluated: 2023-06-10. Review status: criteria provided, single submitter. Criteria: GeneDx Variant Classification Process June 2021. Collection method: clinical testing. Allele origin: germline. Affected: yes.
Comment: Frameshift variant predicted to result in protein truncation or nonsense mediated decay in a gene for which loss-of-function is a known mechanism of disease; Not observed in large population cohorts (gnomAD); Has not been previously published as pathogenic or benign to our knowledge

NM_001330288.2(SMARCC2):c.1019_1020del (p.Thr340fs)

Gene: SMARCC2 (SWI/SNF related BAF chromatin remodeling complex subunit C2; minus strand). Cytogenetic location: 12q13.2.
Variant type: Deletion.
Coding change: c.1019_1020del on transcript NM_001330288.2 (MANE Select); coding-DNA positions 1019 to 1020, 2 bases deleted (CA; older notation c.1019_1020delCA).
Protein change: p.Thr340fs; shifts the reading frame from threonine 340.
Molecular consequence: frameshift variant.
Genome position (GRCh38, 1-based): chr12:56,181,038-56,181,039, TG deleted on the plus strand (CA on the coding strand, the reverse complement: SMARCC2 is on the minus strand); deleting any 2 consecutive bases within chr12:56,181,038-56,181,040 gives the same sequence; the c. name uses the placement nearest the transcript's 3' end. VCF-style (leftmost placement, unchanged base first): chr12-56181037-TTG-T. GRCh37 (hg19) VCF-style: chr12-56574821-TTG-T.
Other names: c.1019_1020del, p.Thr340fs (NM_001130420.3, NM_003075.5, NM_139067.4); short protein forms T340fs.
Identifiers: ClinVar variation 2506795 (VCV002506795.1), dbSNP rs2540935832, ClinGen allele CA2575188828.
Genomic context (GRCh38, chr12:56,181,037, plus strand): 5'-CTGTTTTGGGAAGTGTCACCTCTTCTACATTGGGGACTGGTGAGGGCTCGTCCATGTCCT[TTG>T]TCAGGTCTTCTTGCTCCTCTTCTCTGTGGCCACGCTTTGACTTAGTGTAAGGTGTTGAGG-3'